The following is an entry in ClinVar:

ClinVar aggregate classification (germline): Uncertain significance. Review status: criteria provided, multiple submitters, no conflicts (2 of 4 stars). 4 submissions from 4 submitters: Uncertain significance (4). Last evaluated 2025-03-08.

Conditions:
Inborn genetic diseases. Identifiers: MedGen C0950123, MeSH D030342.
Developmental and epileptic encephalopathy, 1 (DEE1). Also called: X-linked infantile spasms; West's syndrome; Tonic spasms with clustering, arrest of psychomotor development and hypsarrhythmia on EEG; X-Linked Infantile Spasm Syndrome; OHTAHARA SYNDROME, X-LINKED; Epileptic encephalopathy, early infantile, 1. Identifiers: MedGen C3463992, MONDO:0010632, OMIM 308350. Disease mechanism: loss of function.
Autosomal recessive spinocerebellar ataxia 12. Also called: SPINOCEREBELLAR ATAXIA WITH MENTAL RETARDATION AND EPILEPSY. Identifiers: Orphanet 284282, MedGen C3280452, MONDO:0013687, OMIM 614322.

Allele frequency attached by ClinVar (database versions not stated): ExAC 0.00004; TOPMed 0.00010; gnomAD 0.00013; 1000 Genomes Project 30x 0.00016; 1000 Genomes Project 0.00020.
gnomAD v4.1: 99 of 1,614,168 alleles (0.0061%); highest among the groups gnomAD compares: Admixed American, 0.057%; no homozygotes.

Submissions (4):

Ambry Genetics
Classification: Uncertain significance for Inborn genetic diseases. Last evaluated: 2025-03-08. Review status: criteria provided, single submitter. Criteria: Ambry Variant Classification Scheme 2023. Collection method: clinical testing. Allele origin: germline.

Blueprint Genetics
Classification: Uncertain significance. Last evaluated: 2023-10-16. Review status: criteria provided, single submitter. Criteria: ACMG Guidelines, 2015. Collection method: clinical testing. Allele origin: germline.

Labcorp Genetics (formerly Invitae), Labcorp
Classification: Uncertain significance for Developmental and epileptic encephalopathy, 1; Autosomal recessive spinocerebellar ataxia 12. Last evaluated: 2022-08-16. Review status: criteria provided, single submitter. Criteria: Invitae Variant Classification Sherloc (09022015). Collection method: clinical testing. Allele origin: germline.
Comment: This sequence change replaces valine, which is neutral and non-polar, with methionine, which is neutral and non-polar, at codon 360 of the WWOX protein (p.Val360Met). This variant is present in population databases (rs200019508, gnomAD 0.03%). This variant has not been reported in the literature in individuals affected with WWOX-related conditions. ClinVar contains an entry for this variant (Variation ID: 540230). Algorithms developed to predict the effect of missense changes on protein structure and function are either unavailable or do not agree on the potential impact of this missense change (SIFT: "Not Available"; PolyPhen-2: "Benign"; Align-GVGD: "Not Available"). In summary, the available evidence is currently insufficient to determine the role of this variant in disease. Therefore, it has been classified as a Variant of Uncertain Significance.

Breakthrough Genomics
Classification: Uncertain significance. Review status: criteria provided, single submitter. Criteria: ACMG Guidelines, 2015. Collection method: not provided. Allele origin: germline. Inheritance: Autosomal recessive inheritance. Affected: yes.

NM_016373.4(WWOX):c.1078G>A (p.Val360Met)

Genes: MAF (MAF bZIP transcription factor; minus strand), WWOX (WW domain containing oxidoreductase; plus strand). Cytogenetic location: 16q23.2.
Variant type: single nucleotide variant.
Coding change: c.1078G>A on transcript NM_016373.4 (MANE Select); coding-DNA position 1078, G replaced by A.
Protein change: p.Val360Met; replaces valine 360 with methionine.
Molecular consequence: missense variant.
Genome position (GRCh38, 1-based): chr16:79,211,629, G>A. VCF-style: chr16-79211629-G-A. GRCh37 (hg19) VCF-style: chr16-79245526-G-A.
Other names: c.1078G>A (NM_016373.2); c.739G>A, p.Val247Met (NM_001291997.2); short protein forms V360M, V247M.
Identifiers: ClinVar variation 540230 (VCV000540230.10), dbSNP rs200019508, ClinGen allele CA8183730.